The following is an entry in ClinVar:

ClinVar aggregate classification (germline): Uncertain significance. Review status: criteria provided, single submitter (1 of 4 stars). 2 submissions from 2 submitters: Uncertain significance (1). 1 of the submissions does not count toward it. Last evaluated 2023-12-06.

Conditions:
AFF4-related disorder. Also called: AFF4-related condition.
Inborn genetic diseases. Identifiers: MedGen C0950123, MeSH D030342.

Allele frequency attached by ClinVar (database versions not stated): TOPMed below 0.00001; gnomAD 0.00001; gnomAD exomes 0.00002.
gnomAD v4.1: 24 of 1,614,044 alleles (0.0015%); highest among the groups gnomAD compares: Non-Finnish European, 0.0019%; no homozygotes.

Submissions (2):

Ambry Genetics
Classification: Uncertain significance for Inborn genetic diseases. Last evaluated: 2023-12-06. Review status: criteria provided, single submitter. Criteria: Ambry Variant Classification Scheme 2023. Collection method: clinical testing. Allele origin: germline.

PreventionGenetics, part of Exact Sciences
Classification: Uncertain significance for AFF4-related condition. Last evaluated: 2024-03-28. Review status: no assertion criteria provided. Collection method: clinical testing. Allele origin: germline. Not counted in ClinVar's aggregate classification.
Comment: The AFF4 c.241A>G variant is predicted to result in the amino acid substitution p.Thr81Ala. To our knowledge, this variant has not been reported in the literature. This variant is reported in 0.00088% of alleles in individuals of European (Non-Finnish) descent in gnomAD. At this time, the clinical significance of this variant is uncertain due to the absence of conclusive functional and genetic evidence.

NM_014423.4(AFF4):c.241A>G (p.Thr81Ala)

Gene: AFF4 (ALF transcription elongation factor 4; minus strand). Cytogenetic location: 5q31.1.
Variant type: single nucleotide variant.
Coding change: c.241A>G on transcript NM_014423.4 (MANE Select); coding-DNA position 241, A replaced by G.
Protein change: p.Thr81Ala; replaces threonine 81 with alanine.
Molecular consequence: missense variant.
Genome position (GRCh38, 1-based): chr5:132,934,824, T>C on the plus strand (A>G on the coding strand, the complement: AFF4 is on the minus strand). VCF-style: chr5-132934824-T-C. GRCh37 (hg19) VCF-style: chr5-132270516-T-C.
Other names: short protein forms T81A.
Identifiers: ClinVar variation 3092741 (VCV003092741.2), dbSNP rs762037136, ClinGen allele CA127295454.
Genomic context (GRCh38, chr5:132,934,824, plus strand): 5'-CTCCATGTCTCTGTTCAAAGAAATTTGGGTTAGATTTTTCATCTGCTGATGGTGGTACTG[T>C]AGGCTTGGGAATTGCAACAAGCTTTGGTATAGATCTGTCTCCTATGAAATCCTTCATTTC-3'
Protein context (NP_055238.1, residues 71-91): IPKLVAIPKP[Thr81Ala]VPPSADEKSN